The following is an entry in ClinVar:

NM_001369.3(DNAH5):c.5883-1G>C

Gene: DNAH5 (dynein axonemal heavy chain 5; minus strand). Cytogenetic location: 5p15.2.
Variant type: single nucleotide variant.
Coding change: c.5883-1G>C on transcript NM_001369.3 (MANE Select); the canonical splice acceptor site of the intron before coding-DNA position 5883, G replaced by C.
Molecular consequence: splice acceptor variant.
Genome position (GRCh38, 1-based): chr5:13,830,776, C>G on the plus strand (G>C on the coding strand, the complement: DNAH5 is on the minus strand). VCF-style: chr5-13830776-C-G. GRCh37 (hg19) VCF-style: chr5-13830885-C-G.
Identifiers: ClinVar variation 1070599 (VCV001070599.9), dbSNP rs1195745037, ClinGen allele CA359203215.

ClinVar aggregate classification (germline): Pathogenic (1 of 4 stars; one submission).

Conditions:
Primary ciliary dyskinesia. Also called: Ciliary dyskinesia. Identifiers: Orphanet 244, MedGen C0008780, MONDO:0016575, HP:0012265.

Submission:

Labcorp Genetics (formerly Invitae), Labcorp
Classification: Pathogenic for Primary ciliary dyskinesia. Last evaluated: 2020-10-20. Review status: criteria provided, single submitter. Criteria: Invitae Variant Classification Sherloc (09022015). Collection method: clinical testing. Allele origin: germline.
Comment: For these reasons, this variant has been classified as Pathogenic. This sequence change affects an acceptor splice site in intron 35 of the DNAH5 gene. It is expected to disrupt RNA splicing. Variants that disrupt the donor or acceptor splice site typically lead to a loss of protein function (PMID: 16199547), and loss-of-function variants in DNAH5 are known to be pathogenic (PMID: 11788826, 16627867). This variant is not present in population databases (ExAC no frequency). Disruption of this splice site has been observed in individual(s) with primary ciliary dyskinesia (Invitae). Algorithms developed to predict the effect of sequence changes on RNA splicing suggest that this variant may disrupt the consensus splice site, but this prediction has not been confirmed by published transcriptional studies.

Literature cited by the submitters: PubMed 16199547; PubMed 11788826; PubMed 16627867.